The following is an entry in ClinVar:

ClinVar aggregate classification (germline): Uncertain significance (1 of 4 stars; one submission).

Allele frequency attached by ClinVar (database versions not stated): gnomAD exomes 0.00001.
gnomAD v4.1: 11 of 1,614,054 alleles (0.00068%); highest among the groups gnomAD compares: Non-Finnish European, 0.00085%; no homozygotes.

Submission:

Labcorp Genetics (formerly Invitae), Labcorp
Classification: Uncertain significance. Last evaluated: 2024-10-29. Review status: criteria provided, single submitter. Criteria: Invitae Variant Classification Sherloc (09022015). Collection method: clinical testing. Allele origin: germline.
Comment: This sequence change replaces arginine, which is basic and polar, with lysine, which is basic and polar, at codon 509 of the SCN3A protein (p.Arg509Lys). This variant is not present in population databases (gnomAD no frequency). This variant has not been reported in the literature in individuals affected with SCN3A-related conditions. Invitae Evidence Modeling of protein sequence and biophysical properties (such as structural, functional, and spatial information, amino acid conservation, physicochemical variation, residue mobility, and thermodynamic stability) indicates that this missense variant is not expected to disrupt SCN3A protein function with a negative predictive value of 95%. In summary, the available evidence is currently insufficient to determine the role of this variant in disease. Therefore, it has been classified as a Variant of Uncertain Significance.

NM_006922.4(SCN3A):c.1526G>A (p.Arg509Lys)

Gene: SCN3A (sodium voltage-gated channel alpha subunit 3; minus strand). Cytogenetic location: 2q24.3.
Variant type: single nucleotide variant.
Coding change: c.1526G>A on transcript NM_006922.4 (MANE Select); coding-DNA position 1526, G replaced by A.
Protein change: p.Arg509Lys; replaces arginine 509 with lysine.
Molecular consequence: missense variant.
Genome position (GRCh38, 1-based): chr2:165,146,884, C>T on the plus strand (G>A on the coding strand, the complement: SCN3A is on the minus strand). VCF-style: chr2-165146884-C-T. GRCh37 (hg19) VCF-style: chr2-166003394-C-T.
Other names: c.1526G>A, p.Arg509Lys (NM_001081676.2, NM_001081677.2); short protein forms R509K.
Identifiers: ClinVar variation 2785949 (VCV002785949.3), dbSNP rs2468362985, ClinGen allele CA349236563.